The following is an entry in ClinVar:

NM_152701.5(ABCA13):c.9020del (p.Ser3007fs)

Gene: ABCA13 (ATP binding cassette subfamily A member 13; plus strand). Cytogenetic location: 7p12.3.
Variant type: Deletion.
Coding change: c.9020del on transcript NM_152701.5 (MANE Select); coding-DNA position 9020, one base deleted (C; older notation c.9020delC).
Protein change: p.Ser3007fs; shifts the reading frame from serine 3007.
Molecular consequence: frameshift variant.
Genome position (GRCh38, 1-based): chr7:48,295,764, C deleted. VCF-style (leftmost placement, unchanged base first): chr7-48295763-TC-T. GRCh37 (hg19) VCF-style: chr7-48335360-TC-T.
Other names: short protein forms S3007fs.
Identifiers: ClinVar variation 5000672 (VCV005000672.1).

ClinVar aggregate classification (germline): Uncertain significance (1 of 4 stars; one submission).

Conditions:
ABCA13-related disorder. Also called: ABCA13-related condition.

Submission:

PreventionGenetics, part of Exact Sciences
Classification: Uncertain significance for ABCA13-related condition. Last evaluated: 2025-01-29. Review status: criteria provided, single submitter. Criteria: ACMG Guidelines, 2015. Collection method: clinical testing. Allele origin: germline.
Comment: The ABCA13 c.9020delC variant is predicted to result in a frameshift and premature protein termination (p.Ser3007Leufs*50). To our knowledge, this variant has not been reported in the literature or in a large population database (gnomAD), indicating this variant is rare. Loss of function is not an established mechanism of ABCA13-related disease. At this time, the clinical significance of this variant is uncertain due to the absence of conclusive functional and genetic evidence.